The following is an entry in ClinVar:

NM_001267550.2(TTN):c.7328A>G (p.Tyr2443Cys)

Genes: TTN (titin; minus strand), LOC126806433 (BRD4-independent group 4 enhancer GRCh37_chr2:179638309-179639508; plus strand). Cytogenetic location: 2q31.2.
Variant type: single nucleotide variant.
Coding change: c.7328A>G on transcript NM_001267550.2 (MANE Select); coding-DNA position 7328, A replaced by G.
Protein change: p.Tyr2443Cys; replaces tyrosine 2443 with cysteine.
Molecular consequence: missense variant.
Genome position (GRCh38, 1-based): chr2:178,773,840, T>C on the plus strand (A>G on the coding strand, the complement: TTN is on the minus strand). VCF-style: chr2-178773840-T-C. GRCh37 (hg19) VCF-style: chr2-179638567-T-C.
Other names: c.7328A>G (NM_001267550.1); c.7328A>G, p.Tyr2443Cys (NM_001256850.1, NM_133378.4, NM_133379.5); c.7190A>G, p.Tyr2397Cys (NM_003319.4, NM_133432.3, NM_133437.4); short protein forms Y2443C, Y2397C.
Identifiers: ClinVar variation 594910 (VCV000594910.10), dbSNP rs369407160, ClinGen allele CA2004846.

ClinVar aggregate classification (germline): Uncertain significance. Review status: criteria provided, multiple submitters, no conflicts (2 of 4 stars). 5 submissions from 5 submitters: Uncertain significance (5). Last evaluated 2025-12-23.

Conditions:
TTN-related disorder. Also called: TTN-related condition; TTN-related disease; TTN-related disorders.
Cardiovascular phenotype. Identifiers: MedGen CN230736.

Allele frequency attached by ClinVar (database versions not stated): ESP Exome Variant Server 0.00008; ExAC 0.00002; gnomAD exomes 0.00002; gnomAD 0.00006; TOPMed 0.00006.
gnomAD v4.1: 20 of 1,613,974 alleles (0.0012%); highest among the groups gnomAD compares: African/African-American, 0.02%; no homozygotes.

Submissions (5):

PreventionGenetics, part of Exact Sciences
Classification: Uncertain significance for TTN-related condition. Last evaluated: 2025-12-23. Review status: criteria provided, single submitter. Criteria: ACMG Guidelines, 2015. Collection method: clinical testing. Allele origin: germline.
Comment: The TTN c.7328A>G variant is predicted to result in the amino acid substitution p.Tyr2443Cys. To our knowledge, this variant has not been reported in the literature. This variant is reported in 0.019% of alleles in individuals of African descent in gnomAD. At this time, the clinical significance of this variant is uncertain due to the absence of conclusive functional and genetic evidence.

Athena Diagnostics
Classification: Uncertain significance. Last evaluated: 2023-06-14. Review status: criteria provided, single submitter. Criteria: Athena Diagnostics Criteria. Collection method: clinical testing. Allele origin: unknown.
Comment: Available data are insufficient to determine the clinical significance of the variant at this time. The frequency of this variant in the general population is uninformative in assessment of its pathogenicity. Computational tools disagree on the variant's effect on normal protein function.

GeneDx
Classification: Uncertain significance. Last evaluated: 2022-11-08. Review status: criteria provided, single submitter. Criteria: GeneDx Variant Classification Process June 2021. Collection method: clinical testing. Allele origin: germline. Affected: yes.
Comment: Not observed at significant frequency in large population cohorts (gnomAD); Missense variant in a gene in which most reported pathogenic variants are truncating/loss of function; Has not been previously published as pathogenic or benign to our knowledge

Ambry Genetics
Classification: Uncertain significance for Cardiovascular phenotype. Last evaluated: 2020-02-11. Review status: criteria provided, single submitter. Criteria: Ambry Variant Classification Scheme 2023. Collection method: clinical testing. Allele origin: germline.
Comment: The p.Y2397C variant (also known as c.7190A>G), located in coding exon 29 of the TTN gene, results from an A to G substitution at nucleotide position 7190. The tyrosine at codon 2397 is replaced by cysteine, an amino acid with highly dissimilar properties. This amino acid position is not well conserved in available vertebrate species. In addition, this alteration is predicted to be deleterious by in silico analysis. Since supporting evidence is limited at this time, the clinical significance of this alteration remains unclear.

Eurofins Ntd Llc (ga)
Classification: Uncertain significance. Last evaluated: 2017-11-10. Review status: criteria provided, single submitter. Criteria: EGL Classification Definitions 2015. Collection method: clinical testing. Allele origin: germline. Observed: 1 variant allele, 1 heterozygote.